The following is an entry in ClinVar:

ClinVar aggregate classification (germline): Uncertain significance (1 of 4 stars; one submission).

Conditions:
Hereditary cancer-predisposing syndrome. Also called: Neoplastic Syndromes, Hereditary; Tumor predisposition; Hereditary neoplastic syndrome; Hereditary Cancer Syndrome. Identifiers: Orphanet 140162, MedGen C0027672, MeSH D009386, MONDO:0015356.

Submission:

Ambry Genetics
Classification: Uncertain significance for Hereditary cancer-predisposing syndrome. Last evaluated: 2025-11-16. Review status: criteria provided, single submitter. Criteria: Ambry Variant Classification Scheme 2023. Collection method: clinical testing. Allele origin: germline.
Comment: The p.R1771G variant (also known as c.5311A>G), located in coding exon 34 of the ATM gene, results from an A to G substitution at nucleotide position 5311. The arginine at codon 1771 is replaced by glycine, an amino acid with dissimilar properties. This amino acid position is not well conserved in available vertebrate species. In addition, the in silico prediction for this alteration is inconclusive. Since supporting evidence is limited at this time, the clinical significance of this alteration remains unclear.

NM_000051.4(ATM):c.5311A>G (p.Arg1771Gly)

Gene: ATM (ATM serine/threonine kinase; plus strand). Cytogenetic location: 11q22.3.
Variant type: single nucleotide variant.
Coding change: c.5311A>G on transcript NM_000051.4 (MANE Select); coding-DNA position 5311, A replaced by G.
Protein change: p.Arg1771Gly; replaces arginine 1771 with glycine.
Molecular consequence: missense variant.
Genome position (GRCh38, 1-based): chr11:108,301,781, A>G. VCF-style: chr11-108301781-A-G. GRCh37 (hg19) VCF-style: chr11-108172508-A-G.
Other names: c.5311A>G, p.Arg1771Gly (NM_001351834.2); short protein forms R1771G.
Identifiers: ClinVar variation 825637 (VCV000825637.5), dbSNP rs1591709145, ClinGen allele CA382542792.